The following is an entry in ClinVar:

NM_000218.3(KCNQ1):c.1252-60G>A

Gene: KCNQ1 (potassium voltage-gated channel subfamily Q member 1; plus strand). Cytogenetic location: 11p15.5.
Variant type: single nucleotide variant.
Coding change: c.1252-60G>A on transcript NM_000218.3 (MANE Select); 60 bases into the intron before coding-DNA position 1252, G replaced by A.
Molecular consequence: intron variant.
Genome position (GRCh38, 1-based): chr11:2,588,653, G>A. VCF-style: chr11-2588653-G-A. GRCh37 (hg19) VCF-style: chr11-2609883-G-A.
Other names: c.982-60G>A (NM_001406837.1); c.1156-60G>A (NM_001406836.1); c.712-60G>A (NM_001406838.1); c.871-60G>A (NM_181798.2).
Identifiers: ClinVar variation 673821 (VCV000673821.4), dbSNP rs59161111, ClinGen allele CA13500368.

ClinVar aggregate classification (germline): Benign. Review status: criteria provided, multiple submitters, no conflicts (2 of 4 stars). 2 submissions from 2 submitters: Benign (2). Last evaluated 2018-06-16.

Allele frequency attached by ClinVar (database versions not stated): gnomAD exomes 0.00551; gnomAD 0.05268 and 0.05663; 1000 Genomes Project 0.06050; TOPMed 0.06051; 1000 Genomes Project 30x 0.06309.
gnomAD v4.1: 16,450 of 1,603,696 alleles (1%); highest among the groups gnomAD compares: African/African-American, 18%; 1,308 homozygotes.

Submissions (2):

GeneDx
Classification: Benign. Last evaluated: 2018-06-16. Review status: criteria provided, single submitter. Criteria: GeneDx Variant Classification (06012015). Collection method: clinical testing. Allele origin: germline. Affected: yes.
Comment: This variant is considered likely benign or benign based on one or more of the following criteria: it is a conservative change, it occurs at a poorly conserved position in the protein, it is predicted to be benign by multiple in silico algorithms, and/or has population frequency not consistent with disease.

Breakthrough Genomics
Classification: Benign. Review status: criteria provided, single submitter. Criteria: ACMG Guidelines, 2015. Collection method: not provided. Allele origin: germline. Inheritance: Autosomal recessive inheritance. Affected: yes.